The following is an entry in ClinVar:

ClinVar aggregate classification (germline): Conflicting classifications of pathogenicity. Review status: criteria provided, conflicting classifications (1 of 4 stars). 9 submissions from 5 submitters: Uncertain significance (7); Likely benign (1). 1 of the submissions does not count toward it. Last evaluated 2024-07-29.

Conditions:
Cardiovascular phenotype. Identifiers: MedGen CN230736.
Cardiomyopathy (CMYO). Also called: Cardiomyopathies. Identifiers: Orphanet 167848, MedGen C0878544, MONDO:0004994, HP:0001638. Inheritance: Various modes of inheritance.
Early-onset myopathy with fatal cardiomyopathy (CMYO5). Also called: CONGENITAL MYOPATHY 5 WITH CARDIOMYOPATHY; Salih Myopathy. Identifiers: Orphanet 289377, MedGen C2673677, MONDO:0012714, OMIM 611705. Disease mechanism: loss of function.
Autosomal recessive limb-girdle muscular dystrophy type 2J (LGMDR10). Also called: MUSCULAR DYSTROPHY, LIMB-GIRDLE, AUTOSOMAL RECESSIVE 10; Limb-girdle muscular dystrophy, type 2J. Identifiers: Orphanet 140922, MedGen C1837342, MONDO:0012127, OMIM 608807.
Myopathy, myofibrillar, 9, with early respiratory failure (MFM9). Also called: EDSTROM MYOPATHY; MYOPATHY, PROXIMAL, WITH EARLY RESPIRATORY MUSCLE INVOLVEMENT; Myopathy, distal, with early respiratory failure, autosomal dominant; Hereditary myopathy with early respiratory failure. Identifiers: Orphanet 178464, Orphanet 34521, MedGen C1863599, MONDO:0011362, OMIM 603689.
Dilated cardiomyopathy 1G (CMD1G). Identifiers: Orphanet 154, MedGen C1858763, MONDO:0011400, OMIM 604145.
Tibial muscular dystrophy (TMD). Also called: UDD MYOPATHY; Tibial muscular dystrophy, tardive; Udd Distal Myopathy – Tibial Muscular Dystrophy. Identifiers: Orphanet 609, MedGen C1838244, MONDO:0010870, OMIM 600334.

Allele frequency attached by ClinVar (database versions not stated): gnomAD exomes 0.00001; TOPMed 0.00001; gnomAD 0.00003 and 0.00004.

Submissions (9):

Women's Health and Genetics/Laboratory Corporation of America, LabCorp
Classification: Uncertain significance. Last evaluated: 2024-07-29. Review status: criteria provided, single submitter. Criteria: LabCorp Variant Classification Summary - May 2015. Collection method: clinical testing. Allele origin: germline.
Comment: Variant summary: TTN c.34730T>C (p.Met11577Thr) results in a non-conservative amino acid change located in the I band region of the encoded protein sequence. Two of four in-silico tools predict a benign effect of the variant on protein function. The variant allele was found at a frequency of 8.1e-06 in 247730 control chromosomes. The available data on variant occurrences in the general population are insufficient to allow any conclusion about variant significance. To our knowledge, no occurrence of c.34730T>C in individuals affected with Limb-Girdle Muscular Dystrophy, Type 2J and no experimental evidence demonstrating its impact on protein function have been reported. ClinVar contains an entry for this variant (Variation ID: 202625). Based on the evidence outlined above, the variant was classified as uncertain significance.

CHEO Genetics Diagnostic Laboratory, Children's Hospital of Eastern Ontario
Classification: Likely benign for Cardiomyopathy. Last evaluated: 2023-05-16. Review status: criteria provided, single submitter. Criteria: ACMG Guidelines, 2015. Collection method: clinical testing. Allele origin: germline. Study: Canadian Open Genetics Repository.

Ambry Genetics
Classification: Uncertain significance for Cardiovascular phenotype. Last evaluated: 2019-04-30. Review status: criteria provided, single submitter. Criteria: Ambry Variant Classification Scheme 2023. Collection method: clinical testing. Allele origin: germline.
Comment: The p.M5080T variant (also known as c.15239T>C), located in coding exon 58 of the TTN gene, results from a T to C substitution at nucleotide position 15239. The methionine at codon 5080 is replaced by threonine, an amino acid with similar properties. This amino acid position is poorly conserved in available vertebrate species. In addition, this alteration is predicted to be tolerated by in silico analysis. Since supporting evidence is limited at this time, the clinical significance of this alteration remains unclear.

Illumina Laboratory Services, Illumina
Classification: Uncertain significance for Myopathy, myofibrillar, 9, with early respiratory failure. Last evaluated: 2018-01-13. Review status: criteria provided, single submitter. Criteria: ICSL Variant Classification Criteria 13 December 2019. Collection method: clinical testing. Allele origin: germline.

Illumina Laboratory Services, Illumina
Classification: Uncertain significance for Dilated cardiomyopathy 1G. Last evaluated: 2018-01-13. Review status: criteria provided, single submitter. Criteria: ICSL Variant Classification Criteria 13 December 2019. Collection method: clinical testing. Allele origin: germline.

Illumina Laboratory Services, Illumina
Classification: Uncertain significance for Autosomal recessive limb-girdle muscular dystrophy type 2J. Last evaluated: 2018-01-13. Review status: criteria provided, single submitter. Criteria: ICSL Variant Classification Criteria 13 December 2019. Collection method: clinical testing. Allele origin: germline.

Illumina Laboratory Services, Illumina
Classification: Uncertain significance for Early-onset myopathy with fatal cardiomyopathy. Last evaluated: 2018-01-13. Review status: criteria provided, single submitter. Criteria: ICSL Variant Classification Criteria 13 December 2019. Collection method: clinical testing. Allele origin: germline.

Illumina Laboratory Services, Illumina
Classification: Uncertain significance for Tibial muscular dystrophy. Last evaluated: 2018-01-13. Review status: criteria provided, single submitter. Criteria: ICSL Variant Classification Criteria 13 December 2019. Collection method: clinical testing. Allele origin: germline.

GeneDx
No classification provided. Last evaluated: 2014-09-03. Review status: no classification provided. Criteria: GeneDx Variant Classification (06012015). Collection method: clinical testing. Allele origin: germline. Affected: yes. Not counted in ClinVar's aggregate classification.
Comment: Missense variants in the TTN gene are considered 'unclassified' if they are not previously reported in the literature and do not have >1% frequency in the population to be considered a polymorphism. Research indicates that truncating mutations in the TTN gene are expected to account for approximately 25% of familial and 18% of sporadic idiopathic DCM; however, truncating variants in the TTN gene have been reported in approximately 3% of reported control alleles. There has been little investigation into non-truncating variants. (Herman D et al. Truncations of titin causing dilated cardiomyopathy. N Eng J Med 366:619-628, 2012) The variant is found in DCM-CRDM panel(s).

NM_001267550.2(TTN):c.42434T>C (p.Met14145Thr)

Gene: TTN (titin; minus strand). Cytogenetic location: 2q31.2.
Variant type: single nucleotide variant.
Coding change: c.42434T>C on transcript NM_001267550.2 (MANE Select); coding-DNA position 42434, T replaced by C.
Protein change: p.Met14145Thr; replaces methionine 14145 with threonine.
Molecular consequence: missense variant.
Genome position (GRCh38, 1-based): chr2:178,634,065, A>G on the plus strand (T>C on the coding strand, the complement: TTN is on the minus strand). VCF-style: chr2-178634065-A-G. GRCh37 (hg19) VCF-style: chr2-179498792-A-G.
Other names: p.M12504T:ATG>ACG; c.37511T>C, p.Met12504Thr (NM_001256850.1); c.15239T>C, p.Met5080Thr (NM_003319.4); c.34730T>C, p.Met11577Thr (NM_133378.4); c.15614T>C, p.Met5205Thr (NM_133432.3); c.15815T>C, p.Met5272Thr (NM_133437.4); short protein forms M12504T, M14145T, M11577T, M5272T, M5080T, M5205T.
Identifiers: ClinVar variation 202625 (VCV000202625.10), dbSNP rs794729427, ClinGen allele CA309793.